The following is an entry in ClinVar:

ClinVar aggregate classification (germline): Uncertain significance (1 of 4 stars; one submission).

Conditions:
Nephronophthisis. Also called: Juvenile Nephronophthisis. Identifiers: Orphanet 655, MedGen C0687120, MONDO:0019005, HP:0000090.

Allele frequency attached by ClinVar (database versions not stated): gnomAD 0.00001.
gnomAD v4.1: 2 of 1,600,032 alleles (0.00012%); highest among the groups gnomAD compares: African/African-American, 0.0027%; no homozygotes.

Submission:

Labcorp Genetics (formerly Invitae), Labcorp
Classification: Uncertain significance for Nephronophthisis. Last evaluated: 2020-09-17. Review status: criteria provided, single submitter. Criteria: Invitae Variant Classification Sherloc (09022015). Collection method: clinical testing. Allele origin: germline.
Comment: This sequence change falls in intron 8 of the IQCB1 gene. It does not directly change the encoded amino acid sequence of the IQCB1 protein, but it affects a nucleotide within the consensus splice site of the intron. This variant is not present in population databases (ExAC no frequency). This variant has not been reported in the literature in individuals with IQCB1-related conditions. Nucleotide substitutions within the consensus splice site are a relatively common cause of aberrant splicing (PMID: 17576681, 9536098). Algorithms developed to predict the effect of sequence changes on RNA splicing suggest that this variant is not likely to affect RNA splicing, but this prediction has not been confirmed by published transcriptional studies. In summary, the available evidence is currently insufficient to determine the role of this variant in disease. Therefore, it has been classified as a Variant of Uncertain Significance.

Literature cited by the submitters: PubMed 17576681; PubMed 9536098.

NM_001023570.4(IQCB1):c.766+5T>C

Gene: IQCB1 (IQ motif containing B1; minus strand). Cytogenetic location: 3q13.33.
Variant type: single nucleotide variant.
Coding change: c.766+5T>C on transcript NM_001023570.4 (MANE Select); 5 bases into the intron after coding-DNA position 766, T replaced by C.
Molecular consequence: intron variant.
Genome position (GRCh38, 1-based): chr3:121,799,191, A>G on the plus strand (T>C on the coding strand, the complement: IQCB1 is on the minus strand). VCF-style: chr3-121799191-A-G. GRCh37 (hg19) VCF-style: chr3-121518038-A-G.
Other names: c.766+5T>C (NM_001319107.2); c.587+8153T>C (NM_001023571.4).
Identifiers: ClinVar variation 1060699 (VCV001060699.4), dbSNP rs941589350, ClinGen allele CA82686727.